The following is an entry in ClinVar:

ClinVar aggregate classification (germline): Uncertain significance (1 of 4 stars; one submission).

gnomAD v4.1: 1 of 1,204,005 alleles (0.000083%); highest among the groups gnomAD compares: Non-Finnish European, 0.00011%; no homozygotes.

Submission:

GeneDx
Classification: Uncertain significance. Last evaluated: 2024-02-12. Review status: criteria provided, single submitter. Criteria: GeneDx Variant Classification Process June 2021. Collection method: clinical testing. Allele origin: germline. Affected: yes.
Comment: Not observed at significant frequency in large population cohorts (gnomAD); In silico analysis supports that this missense variant has a deleterious effect on protein structure/function; Has not been previously published as pathogenic or benign to our knowledge

NM_181672.3(OGT):c.713C>G (p.Ala238Gly)

Gene: OGT (O-linked N-acetylglucosamine (GlcNAc) transferase; plus strand). Cytogenetic location: Xq13.1.
Variant type: single nucleotide variant.
Coding change: c.713C>G on transcript NM_181672.3 (MANE Select); coding-DNA position 713, C replaced by G.
Protein change: p.Ala238Gly; replaces alanine 238 with glycine.
Molecular consequence: missense variant.
Genome position (GRCh38, 1-based): chrX:71,554,577, C>G. VCF-style: chrX-71554577-C-G. GRCh37 (hg19) VCF-style: chrX-70774427-C-G.
Other names: c.683C>G, p.Ala228Gly (NM_181673.3); short protein forms A228G, A238G.
Identifiers: ClinVar variation 3368344 (VCV003368344.1).